The following is an entry in ClinVar:

ClinVar aggregate classification (germline): Likely benign (0 of 4 stars; one submission).

Conditions:
COL11A1-related disorder. Also called: COL11A1-related condition; COL11A1-related disorders.

Allele frequency attached by ClinVar (database versions not stated): gnomAD exomes 0.00001; ExAC 0.00001.
gnomAD v4.1: 12 of 1,611,546 alleles (0.00074%); highest among the groups gnomAD compares: Admixed American, 0.0017%; no homozygotes.

Submission:

PreventionGenetics, part of Exact Sciences
Classification: Likely benign for COL11A1-related condition. Last evaluated: 2022-08-16. Review status: no assertion criteria provided. Collection method: clinical testing. Allele origin: germline.
Comment: This variant is classified as likely benign based on ACMG/AMP sequence variant interpretation guidelines (Richards et al. 2015 PMID: 25741868, with internal and published modifications).

NM_001854.4(COL11A1):c.2862+9C>T

Gene: COL11A1 (collagen type XI alpha 1 chain; minus strand). Cytogenetic location: 1p21.1.
Variant type: single nucleotide variant.
Coding change: c.2862+9C>T on transcript NM_001854.4 (MANE Select); 9 bases into the intron after coding-DNA position 2862, C replaced by T.
Molecular consequence: intron variant.
Genome position (GRCh38, 1-based): chr1:102,970,210, G>A on the plus strand (C>T on the coding strand, the complement: COL11A1 is on the minus strand). VCF-style: chr1-102970210-G-A. GRCh37 (hg19) VCF-style: chr1-103435766-G-A.
Other names: c.2745+9C>T (NM_001190709.2); c.2898+9C>T (NM_080629.3); c.2514+9C>T (NM_080630.4).
Identifiers: ClinVar variation 3054135 (VCV003054135.2), dbSNP rs765241602, ClinGen allele CA974250.